The following is an entry in ClinVar:

NM_006086.4(TUBB3):c.371G>C (p.Cys124Ser)

Gene: TUBB3 (tubulin beta 3 class III; plus strand). Cytogenetic location: 16q24.3.
Variant type: single nucleotide variant.
Coding change: c.371G>C on transcript NM_006086.4 (MANE Select); coding-DNA position 371, G replaced by C.
Protein change: p.Cys124Ser; replaces cysteine 124 with serine.
Molecular consequence: missense variant.
Genome position (GRCh38, 1-based): chr16:89,934,822, G>C. VCF-style: chr16-89934822-G-C. GRCh37 (hg19) VCF-style: chr16-90001230-G-C.
Other names: NM_001197181.2:c.155G>C; c.155G>C, p.Cys52Ser (NM_001197181.2); short protein forms C124S, C52S.
Identifiers: ClinVar variation 3061817 (VCV003061817.1), dbSNP rs2544627184, ClinGen allele CA397474314.

ClinVar aggregate classification (germline): Uncertain significance (1 of 4 stars; one submission).

Conditions:
TUBB3-related tubulinopathy. Identifiers: MedGen CN322634, MONDO:0100154.

Submission:

Broad Center for Mendelian Genomics, Broad Institute of MIT and Harvard
Classification: Uncertain significance for TUBB3-related tubulinopathy. Last evaluated: 2024-03-12. Review status: criteria provided, single submitter. Criteria: ACMG Guidelines, 2015. Collection method: curation. Allele origin: germline. Inheritance: Autosomal dominant inheritance.
Comment: The p.Cys124Ser variant in TUBB3 has not been previously reported in individuals with congenital fibrosis of the extraocular muscles 3A. This variant was absent from large population studies. The number of missense variants reported in TUBB3 in the general population is lower than expected, suggesting there is little benign variation in this gene and slightly increasing the possibility that a missense variant in this gene may not be tolerated. Computational prediction tools, including splice predictors, and conservation analyses suggest that this variant may not impact the protein, though this information is not predictive enough to rule out pathogenicity. In summary, the clinical significance of the p.Cys124Ser variant is uncertain. ACMG/AMP Criteria applied: PM2_Supporting, PP2, BP4 (Richards 2015).

Literature cited by the submitters: PubMed 39033378.